The following is an entry in ClinVar:

ClinVar aggregate classification (germline): Likely pathogenic (0 of 4 stars; one submission).

Conditions:
Tip-toe gait. Also called: Toe walking. Identifiers: MedGen C0427144, HP:0030051.

Submission:

Practice for Gait Abnormalities, David Pomarino, Competency Network Toe Walking C/o Practice Pomarino
Classification: Likely pathogenic for Tip-toe gait. Review status: no assertion criteria provided. Collection method: clinical testing. Allele origin: germline. Affected: yes.
Comment: Hereditary motor sensory neuropathy (HMSN), also known as Charcot-Marie-Tooth Disease (CMT), is the most commonly inherited peripheral polyneuropathy. It constitutes a group of inherited, progressive, motor and sensory peripheral nerve disorders with properties of demyelination, axonal degeneration, or both. It is classified by clinical characteristics, modes of inheritance, electrophysiologic features, metabolic defects, and specific gene markers. Our patients all walk on tiptoe, so they show similar symptoms. When we genetically test them with our toe walking panel, we find that around 90 per cent of them have a genetic variant that explains their toe walking. These can be assigned, for example, to the area of myopathies (such as variants of the COL6A3 gene), the area of hereditary neuropathies (such as variants of the KMT2C gene) or the area of metabolic diseases (such as variants of the PYGM gene). In a smaller group of patients with almost identical symptoms, no abnormality is found in the genes of our panel, but spastic paraplegia can be detected. In another small group of our toe walkers, no abnormalities can be detected in the genes analysed in our toe walking panel, nor do they suffer from spastic paraplegia, as is also the case with healthy children. In contrast to these, however, they show a tiptoe gait. These patients suffer from infantile cerebral palsy, in which toe walking can also be observed.

Literature cited by the submitters: PubMed 37091313.

NM_015346.4(ZFYVE26):c.611T>C (p.Leu204Ser)

Gene: ZFYVE26 (zinc finger FYVE-type containing 26; minus strand). Cytogenetic location: 14q24.1.
Variant type: single nucleotide variant.
Coding change: c.611T>C on transcript NM_015346.4 (MANE Select); coding-DNA position 611, T replaced by C.
Protein change: p.Leu204Ser; replaces leucine 204 with serine.
Molecular consequence: missense variant.
Genome position (GRCh38, 1-based): chr14:67,807,673, A>G on the plus strand (T>C on the coding strand, the complement: ZFYVE26 is on the minus strand). VCF-style: chr14-67807673-A-G. GRCh37 (hg19) VCF-style: chr14-68274390-A-G.
Other names: short protein forms L204S.
Identifiers: ClinVar variation 1679096 (VCV001679096.3), dbSNP rs2140252322, ClinGen allele CA390161601.
Genomic context (GRCh38, chr14:67,807,673, plus strand): 5'-GTCCGCAGGGCTCCATAGATGGCATCGACTACCCCAGGGGGCACCGAATCAGGGCCCTGC[A>G]AAGCCCGCAATGCCTTTCGAATGAGGTCCACCAGTGCATTCTGCAGAGGCCAGTGACAGA-3'
Protein context (NP_056161.2, residues 194-214): VDLIRKALRA[Leu204Ser]QGPDSVPPGV